The following is an entry in ClinVar:

ClinVar aggregate classification (germline): Uncertain significance (1 of 4 stars; one submission).

Conditions:
Dystonic disorder. Also called: Dystonia. Identifiers: MedGen C0013421, MONDO:0003441, HP:0001332.

Submission:

Labcorp Genetics (formerly Invitae), Labcorp
Classification: Uncertain significance for Dystonic disorder. Last evaluated: 2024-07-08. Review status: criteria provided, single submitter. Criteria: Invitae Variant Classification Sherloc (09022015). Collection method: clinical testing. Allele origin: germline.
Comment: This variant, c.1192_1263dup, results in the insertion of 24 amino acid(s) of the CIZ1 protein (p.Glu398_Leu421dup), but otherwise preserves the integrity of the reading frame. This variant is not present in population databases (gnomAD no frequency). This variant has not been reported in the literature in individuals affected with CIZ1-related conditions. Experimental studies and prediction algorithms are not available or were not evaluated, and the functional significance of this variant is currently unknown. In summary, the available evidence is currently insufficient to determine the role of this variant in disease. Therefore, it has been classified as a Variant of Uncertain Significance.

NM_001131016.2(CIZ1):c.1192_1263dup (p.Leu421_Gln422insGluProLeuLysGlnValGlnProGlnValGlnProGlnAlaHisSerGlnProProArgGlnValGlnLeu)

Gene: CIZ1 (CDKN1A interacting zinc finger protein 1; minus strand). Cytogenetic location: 9q34.11.
Variant type: Duplication.
Coding change: c.1192_1263dup on transcript NM_001131016.2 (MANE Select); coding-DNA positions 1192 to 1263, 72 bases duplicated.
Protein change: p.Leu421_Gln422insGluProLeuLysGlnValGlnProGlnValGlnProGlnAlaHisSerGlnProProArgGlnValGlnLeu.
Molecular consequence: intron variant (on NM_001131015.2).
Genome position (GRCh38, 1-based): chr9:128,178,944-128,179,015, 72 bases duplicated. GRCh37 (hg19): chr9:130,941,223-130,941,294.
Other names: c.1282_1353dup, p.Leu451_Gln452insGluProLeuLysGlnValGlnProGlnValGlnProGlnAlaHisSerGlnProProArgGlnValGlnLeu (NM_001257975.2); c.889_960dup, p.Leu320_Gln321insGluProLeuLysGlnValGlnProGlnValGlnProGlnAlaHisSerGlnProProArgGlnValGlnLeu (NM_001257976.2); c.1192_1263dup, p.Leu421_Gln422insGluProLeuLysGlnValGlnProGlnValGlnProGlnAlaHisSerGlnProProArgGlnValGlnLeu (NM_012127.3); c.1134+58_1135-40dup (NM_001131015.2); c.1062+58_1063-40dup (NM_001131018.2); c.1119+58_1120-40dup (NM_001131017.2).
Identifiers: ClinVar variation 3656128 (VCV003656128.2).